The following is an entry in ClinVar:

ClinVar aggregate classification (germline): Uncertain significance. Review status: criteria provided, multiple submitters, no conflicts (2 of 4 stars). 2 submissions from 2 submitters: Uncertain significance (2). Last evaluated 2025-02-27.

Conditions:
Tuberous sclerosis 1 (TSC1). Identifiers: Orphanet 805, MedGen C1854465, MONDO:0008612, OMIM 191100.
Hereditary cancer-predisposing syndrome. Also called: Hereditary neoplastic syndrome; Hereditary Cancer Syndrome; Neoplastic Syndromes, Hereditary; Tumor predisposition. Identifiers: Orphanet 140162, MedGen C0027672, MeSH D009386, MONDO:0015356.

Submissions (2):

Ambry Genetics
Classification: Uncertain significance for Hereditary cancer-predisposing syndrome. Last evaluated: 2025-02-27. Review status: criteria provided, single submitter. Criteria: Ambry Variant Classification Scheme 2023. Collection method: clinical testing. Allele origin: germline.
Comment: The c.113_114delGCinsAT variant (also known as p.G38D), located in coding exon 2 of the TSC1 gene, results from an in-frame deletion of GC and insertion of AT at nucleotide positions 113 to 114. This results in the substitution of the glycine residue for an aspartic acid residue at codon 38, an amino acid with similar properties. This amino acid position is highly conserved in available vertebrate species. In addition, this alteration is predicted to be deleterious by in silico analysis. Based on the available evidence, the clinical significance of this variant remains unclear.

Labcorp Genetics (formerly Invitae), Labcorp
Classification: Uncertain significance for Tuberous sclerosis 1. Last evaluated: 2023-05-17. Review status: criteria provided, single submitter. Criteria: Invitae Variant Classification Sherloc (09022015). Collection method: clinical testing. Allele origin: germline.
Comment: In summary, the available evidence is currently insufficient to determine the role of this variant in disease. Therefore, it has been classified as a Variant of Uncertain Significance. An algorithm developed to predict the effect of missense changes on protein structure and function (PolyPhen-2) suggests that this variant is likely to be disruptive. This variant has not been reported in the literature in individuals affected with TSC1-related conditions. Information on the frequency of this variant in the gnomAD database is not available, as this variant may be reported differently in the database. This sequence change replaces glycine, which is neutral and non-polar, with aspartic acid, which is acidic and polar, at codon 38 of the TSC1 protein (p.Gly38Asp).

NM_000368.5(TSC1):c.113_114delinsAT (p.Gly38Asp)

Gene: TSC1 (TSC complex subunit 1; minus strand). Cytogenetic location: 9q34.13.
Variant type: Indel.
Coding change: c.113_114delinsAT on transcript NM_000368.5 (MANE Select); coding-DNA positions 113 to 114, GC replaced by AT.
Protein change: p.Gly38Asp; replaces glycine 38 with aspartic acid.
Molecular consequence: missense variant. On other transcripts: 5 prime UTR variant (9), non-coding transcript variant (4), intron variant (9).
Genome position (GRCh38, 1-based): chr9:132,927,297-132,927,298, GC replaced by AT on the plus strand (GC replaced by AT on the coding strand, the reverse complement: TSC1 is on the minus strand). VCF-style: chr9-132927297-GC-AT. GRCh37 (hg19) VCF-style: chr9-135802684-GC-AT.
Other names: c.113_114delinsAT, p.Gly38Asp (NM_001162426.2, NM_001162427.2, NM_001406592.1 and 21 more transcripts); c.-376_-375delinsAT (NM_001406615.1, NM_001406623.1); c.-343_-342delinsAT (NM_001406616.1, NM_001406624.1); c.-765_-764delinsAT (NM_001406626.1, NM_001406627.1, NM_001406628.1); c.-907_-906delinsAT (NM_001406629.1); c.-981_-980delinsAT (NM_001406630.1); c.-153-1559_-153-1558delinsAT (NM_001406620.1, NM_001406618.1); c.-154+1469_-154+1470delinsAT (NM_001406625.1, NM_001406621.1, NM_001406617.1 and 3 more transcripts); and 1 more; short protein forms G38D.
Identifiers: ClinVar variation 2865220 (VCV002865220.4), dbSNP rs2539115280, ClinGen allele CA2739265175.